The following is an entry in ClinVar:

NM_004370.6(COL12A1):c.6276A>C (p.Lys2092Asn)

Gene: COL12A1 (collagen type XII alpha 1 chain; minus strand). Cytogenetic location: 6q13.
Variant type: single nucleotide variant.
Coding change: c.6276A>C on transcript NM_004370.6 (MANE Select); coding-DNA position 6276, A replaced by C.
Protein change: p.Lys2092Asn; replaces lysine 2092 with asparagine.
Molecular consequence: missense variant.
Genome position (GRCh38, 1-based): chr6:75,128,360, T>G on the plus strand (A>C on the coding strand, the complement: COL12A1 is on the minus strand). VCF-style: chr6-75128360-T-G. GRCh37 (hg19) VCF-style: chr6-75838076-T-G.
Other names: c.2784A>C, p.Lys928Asn (NM_080645.3); short protein forms K2092N, K928N.
Identifiers: ClinVar variation 1015338 (VCV001015338.10), dbSNP rs1403624483, ClinGen allele CA364730407.

ClinVar aggregate classification (germline): Uncertain significance (1 of 4 stars; one submission).

Conditions:
Ullrich congenital muscular dystrophy 2 (UCMD2). Identifiers: Orphanet 75840, MedGen C4225314, MONDO:0014654, OMIM 616470.
Bethlem myopathy 2 (BTHLM2). Identifiers: Orphanet 536516, Orphanet 610, MedGen C4225313, MONDO:0034022, OMIM 616471.

Submission:

Labcorp Genetics (formerly Invitae), Labcorp
Classification: Uncertain significance for Bethlem myopathy 2; Ullrich congenital muscular dystrophy 2. Last evaluated: 2020-01-23. Review status: criteria provided, single submitter. Criteria: Invitae Variant Classification Sherloc (09022015). Collection method: clinical testing. Allele origin: germline.
Comment: In summary, the available evidence is currently insufficient to determine the role of this variant in disease. Therefore, it has been classified as a Variant of Uncertain Significance. Algorithms developed to predict the effect of missense changes on protein structure and function are either unavailable or do not agree on the potential impact of this missense change (SIFT: "Tolerated"; PolyPhen-2: "Probably Damaging"; Align-GVGD: "Class C0"). This variant has not been reported in the literature in individuals with COL12A1-related conditions. This variant is not present in population databases (ExAC no frequency). This sequence change replaces lysine with asparagine at codon 2092 of the COL12A1 protein (p.Lys2092Asn). The lysine residue is highly conserved and there is a moderate physicochemical difference between lysine and asparagine.